The following is an entry in ClinVar:

NM_053025.4(MYLK):c.5731G>T (p.Glu1911Ter)

Genes: MYLK (myosin light chain kinase; minus strand), MYLK-AS1 (MYLK antisense RNA 1; plus strand). Cytogenetic location: 3q21.1.
Variant type: single nucleotide variant.
Coding change: c.5731G>T on transcript NM_053025.4 (MANE Select); coding-DNA position 5731, G replaced by T.
Protein change: p.Glu1911Ter; replaces glutamic acid 1911 with a stop codon.
Molecular consequence: nonsense.
Genome position (GRCh38, 1-based): chr3:123,614,119, C>A on the plus strand (G>T on the coding strand, the complement: MYLK is on the minus strand). VCF-style: chr3-123614119-C-A. GRCh37 (hg19) VCF-style: chr3-123332966-C-A.
Other names: c.5203G>T, p.Glu1735Ter (NM_001321309.2); c.5524G>T, p.Glu1842Ter (NM_053026.4); c.5578G>T, p.Glu1860Ter (NM_053027.4); c.5371G>T, p.Glu1791Ter (NM_053028.4); c.448G>T, p.Glu150Ter (NM_053031.4); c.451G>T, p.Glu151Ter (NM_053032.4); short protein forms E151*, E1791*, E150*, E1860*, E1911*, E1735*, E1842*.
Identifiers: ClinVar variation 1940611 (VCV001940611.5), dbSNP rs1206293380, ClinGen allele CA354228417.

ClinVar aggregate classification (germline): Uncertain significance (1 of 4 stars; one submission).

Conditions:
Aortic aneurysm, familial thoracic 7 (AAT7). Also called: AORTIC DISSECTION, FAMILIAL, WITH OR WITHOUT AORTIC ANEURYSM. Identifiers: MedGen C3151077, MONDO:0013418, OMIM 613780.

Submission:

Labcorp Genetics (formerly Invitae), Labcorp
Classification: Uncertain significance for Aortic aneurysm, familial thoracic 7. Last evaluated: 2022-04-05. Review status: criteria provided, single submitter. Criteria: Invitae Variant Classification Sherloc (09022015). Collection method: clinical testing. Allele origin: germline.
Comment: This variant has not been reported in the literature in individuals affected with MYLK-related conditions. In summary, the available evidence is currently insufficient to determine the role of this variant in disease. Therefore, it has been classified as a Variant of Uncertain Significance. Experimental studies and prediction algorithms are not available or were not evaluated, and the functional significance of this variant is currently unknown. This variant is not present in population databases (gnomAD no frequency). This sequence change creates a premature translational stop signal (p.Glu1911*) in the MYLK gene. While this is not anticipated to result in nonsense mediated decay, it is expected to disrupt the last 4 amino acid(s) of the MYLK protein.